The following is an entry in ClinVar:

NM_001267550.2(TTN):c.52009C>T (p.Arg17337Ter)

Genes: TTN-AS1 (TTN antisense RNA 1; plus strand), TTN (titin; minus strand). Cytogenetic location: 2q31.2.
Variant type: single nucleotide variant.
Coding change: c.52009C>T on transcript NM_001267550.2 (MANE Select); coding-DNA position 52009, C replaced by T.
Protein change: p.Arg17337Ter; replaces arginine 17337 with a stop codon.
Molecular consequence: nonsense.
Genome position (GRCh38, 1-based): chr2:178,609,301, G>A on the plus strand (C>T on the coding strand, the complement: TTN is on the minus strand). VCF-style: chr2-178609301-G-A. GRCh37 (hg19) VCF-style: chr2-179474028-G-A.
Other names: c.47086C>T, p.Arg15696Ter (NM_001256850.1); c.24814C>T, p.Arg8272Ter (NM_003319.4); c.44305C>T, p.Arg14769Ter (NM_133378.4); c.25189C>T, p.Arg8397Ter (NM_133432.3); c.25390C>T, p.Arg8464Ter (NM_133437.4); c.52009C>T (NM_001267550.1); short protein forms R17337*, R14769*, R8397*, R8272*, R8464*, R15696*.
Identifiers: ClinVar variation 582466 (VCV000582466.14), dbSNP rs1343120755, ClinGen allele CA349578190.

ClinVar aggregate classification (germline): Pathogenic/Likely pathogenic. Review status: criteria provided, multiple submitters, no conflicts (2 of 4 stars). 6 submissions from 6 submitters: Pathogenic (5); Likely pathogenic (1). Last evaluated 2026-08-28.

Conditions:
Dilated cardiomyopathy 1G (CMD1G). Identifiers: Orphanet 154, MedGen C1858763, MONDO:0011400, OMIM 604145.
TTN-related disorder. Also called: TTN-related disorders; TTN-related condition; TTN-related disease.
Autosomal recessive limb-girdle muscular dystrophy type 2J (LGMDR10). Also called: Limb-girdle muscular dystrophy, type 2J; MUSCULAR DYSTROPHY, LIMB-GIRDLE, AUTOSOMAL RECESSIVE 10. Identifiers: Orphanet 140922, MedGen C1837342, MONDO:0012127, OMIM 608807.
Cardiovascular phenotype. Identifiers: MedGen CN230736.

Allele frequency attached by ClinVar (database versions not stated): gnomAD exomes below 0.00001; gnomAD 0.00001; TOPMed 0.00001.
gnomAD v4.1: 3 of 1,601,718 alleles (0.00019%); highest among the groups gnomAD compares: East Asian, 0.0022%; no homozygotes.

Submissions (6):

Ambry Genetics
Classification: Pathogenic for Cardiovascular phenotype. Last evaluated: 2026-08-28. Review status: criteria provided, single submitter. Criteria: Ambry Variant Classification Scheme 2023. Collection method: clinical testing. Allele origin: germline.
Comment: The p.R8272* pathogenic mutation (also known as c.24814C>T), located in coding exon 100 of the TTN gene, results from a C to T substitution at nucleotide position 24814. This changes the amino acid from an arginine to a stop codon within coding exon 100. This exon is located in the A-band region of the N2-B isoform of the titin protein and is constitutively expressed in TTN transcripts (percent spliced in or PSI 100%). This variant was reported in individual(s) with features consistent with dilated cardiomyopathy (Haas J et al. Eur Heart J. 2015 May;36(18):1123-35a; Ambry internal data). Note, this variant is also referred to as p.R8464X in the literature. This variant is considered to be rare based on population cohorts in the Genome Aggregation Database (gnomAD). This variant is expected to result in loss of function by premature protein truncation or nonsense-mediated mRNA decay. While truncating variants in TTN are present in 1-3% of the general population, truncating variants in the A-band are the most common cause of dilated cardiomyopathy (Herman DS et al. N. Engl. J. Med., 2012 Feb;366:619-28; Roberts AM et al. Sci Transl Med, 2015 Jan;7:270ra6). TTN truncating variants encoded in constitutive exons (PSI >90%) have been found to be significantly associated with DCM regardless of their position in titin (Schafer S et al. Nat. Genet., 2017 01;49:46-53; Akhtar MM et al. Circ Heart Fail, 2020 Oct;13:e006832; Massier M et al. Clin Genet, 2025 Jan). Based on the supporting evidence, this variant is interpreted as a disease-causing mutation.

Labcorp Genetics (formerly Invitae), Labcorp
Classification: Pathogenic for Dilated cardiomyopathy 1G; Autosomal recessive limb-girdle muscular dystrophy type 2J. Last evaluated: 2025-12-14. Review status: criteria provided, single submitter. Criteria: Invitae Variant Classification Sherloc (09022015). Collection method: clinical testing. Allele origin: germline.
Comment: This sequence change creates a premature translational stop signal (p.Arg17337*) in the TTN gene. While this is not anticipated to result in nonsense mediated decay, it is expected to create a truncated TTN protein. This variant is not present in population databases (gnomAD no frequency). This premature translational stop signal has been observed in individuals with centronuclear myopathy and/or dilated cardiomyopathy (PMID: 25163546, 33449170; internal data). This variant is also known as c.25390C>T (p.Arg8464*). ClinVar contains an entry for this variant (Variation ID: 582466). Algorithms developed to predict the effect of sequence changes on RNA splicing suggest that this variant may disrupt the consensus splice site. This variant is located in the A band of TTN (PMID: 25589632). Truncating variants in this region are significantly overrepresented in patients affected with dilated cardiomyopathy (PMID: 25589632). Truncating variants in this region have also been reported in individuals affected with autosomal recessive centronuclear myopathy (PMID: 23975875). For these reasons, this variant has been classified as Pathogenic.

Dasa
Classification: Pathogenic. Last evaluated: 2024-12-26. Review status: criteria provided, single submitter. Criteria: DASA Assertion Criteria. Collection method: clinical testing. Allele origin: germline.
Comment: NM_001267550.2(TTN):c.52009C>T (p.Arg17337*) introduces a premature termination codon predicted to result in loss of normal protein function. Loss-of-function is an established mechanism of disease for this gene. This variant has been reported in individuals with related phenotype. The variant is present at low frequency in population datasets. Based on the available data, this variant is classified as pathogenic.

Blueprint Genetics
Classification: Likely pathogenic for TTN-related disorders. Last evaluated: 2024-07-17. Review status: criteria provided, single submitter. Criteria: ACMG Guidelines, 2015. Collection method: clinical testing. Allele origin: germline. Affected: yes. Observed: 3 variant alleles.

3billion
Classification: Pathogenic for Dilated cardiomyopathy 1G. Last evaluated: 2024-02-26. Review status: criteria provided, single submitter. Criteria: ACMG Guidelines, 2015. Collection method: clinical testing. Allele origin: germline. Affected: yes.
Comment: The variant is not observed in the gnomAD v2.1.1 dataset. Predicted Consequence/Location: Stop-gained (nonsense): predicted to result in a loss or disruption of normal protein function through nonsense-mediated decay (NMD) or protein truncation. Multiple pathogenic variants are reported downstream of the variant. The variant has been reported at least twice as pathogenic without evidence for the classification (ClinVar ID: VCV000582466). Therefore, this variant is classified as Pathogenic according to the recommendation of ACMG/AMP guideline.

GeneDx
Classification: Pathogenic. Last evaluated: 2023-11-07. Review status: criteria provided, single submitter. Criteria: GeneDx Variant Classification Process June 2021. Collection method: clinical testing. Allele origin: germline. Affected: yes.
Comment: Nonsense variant predicted to result in protein truncation or nonsense mediated decay in a gene for which loss of function is a known mechanism of disease; Located in the A-band region of TTN in which the majority of loss of function variants have been associated with autosomal dominant titinopathies (PMID: 22335739); Identified in patients with DCM in published literature (PMID: 25163546, 32826072); Reported in patients with a primary TTN-related congenital myopathy who also harbored a missense variant in the TTN gene (PMID: 33449170); Not observed at significant frequency in large population cohorts (gnomAD); This variant is associated with the following publications: (PMID: 32826072, 25163546, 22335739, 35982159, 35982160, 37217627, 33449170)

Literature cited by the submitters: PubMed 25163546 (cited by Ambry Genetics and Labcorp Genetics (formerly Invitae), Labcorp); PubMed 33449170 (cited by Labcorp Genetics (formerly Invitae), Labcorp); PubMed 25589632 (cited by Labcorp Genetics (formerly Invitae), Labcorp); PubMed 23975875 (cited by Labcorp Genetics (formerly Invitae), Labcorp).